The following is an entry in ClinVar:

ClinVar aggregate classification (somatic clinical impact): Tier I - Strong (1 of 4 stars; one submission).

Conditions:
Atypical teratoid rhabdoid tumor. Also called: Atypical teratoid/rhabdoid tumor. Identifiers: Orphanet 99966, MedGen C1266184, MONDO:0020560, HP:0034401.

Submission:

Institute for Genomic Medicine (IGM) Clinical Laboratory, Nationwide Children's Hospital
Classification: Tier I - Strong for Atypical teratoid rhabdoid tumor. Assertion type: diagnostic. Clinical significance: supports diagnosis. Last evaluated: 2022-12-14. Review status: criteria provided, single submitter. Criteria: AMP/ASCO/CAP Guidelines, 2017. Collection method: clinical testing. Allele origin: somatic. Affected: yes.
Comment: Variant has Tier I (strong) clinical significance as a diagnostic inclusion criterion in atypical teratoid rhabdoid tumor, based on the following evidence: 1) Appears in one or more well-established professional guidelines (e.g., World Health Organization [WHO]; National Comprehensive Cancer Network [NCCN]) as providing diagnostic, prognostic, or therapeutic information. 2) Diagnostic for a specific tumor type/classification according to professional guidelines (Evidence Level A; PMIDs: 22797305, 9892189, 9671307, 26923874, 23074045).

Literature cited by the submitters: PubMed 22797305; PubMed 9892189; PubMed 9671307; PubMed 26923874; PubMed 23074045.

NM_003073.5(SMARCB1):c.283del (p.Glu95fs)

Gene: SMARCB1 (SWI/SNF related BAF chromatin remodeling complex subunit B1; plus strand). Cytogenetic location: 22q11.23.
Variant type: Deletion.
Coding change: c.283del on transcript NM_003073.5 (MANE Select); coding-DNA position 283, one base deleted (G; older notation c.283delG).
Protein change: p.Glu95fs; shifts the reading frame from glutamic acid 95.
Molecular consequence: frameshift variant.
Genome position (GRCh38, 1-based): chr22:23,793,609, G deleted; the last of 2 consecutive G bases (chr22:23,793,608-23,793,609); deleting either gives the same sequence. VCF-style (leftmost placement, unchanged base first): chr22-23793607-CG-C. GRCh37 (hg19) VCF-style: chr22-24135794-CG-C.
Other names: c.256del, p.Glu86fs (NM_001007468.3, NM_001317946.2); c.283del, p.Glu95fs (NM_001362877.2); short protein forms E86fs, E95fs.
Identifiers: ClinVar variation 4530288 (VCV004530288.1).
Genomic context (GRCh38, chr22:23,793,607, plus strand): 5'-TGTCTGTTACAGATCACGGATACACGACTCTAGCCACCAGTGTGACCCTGTTAAAAGCCT[CG>C]GAAGTGGAAGAGATTCTGGATGGCAACGATGAGAAGTACAAGGCTGTGTCCATCAGCACA-3'